The following is an entry in ClinVar:

NM_032043.3(BRIP1):c.2016C>T (p.Phe672=)

Gene: BRIP1 (BRCA1 interacting DNA helicase 1; minus strand). Cytogenetic location: 17q23.2.
Variant type: single nucleotide variant.
Coding change: c.2016C>T on transcript NM_032043.3 (MANE Select); coding-DNA position 2016, C replaced by T.
Protein change: p.Phe672=; no amino-acid change (phenylalanine 672 retained).
Molecular consequence: synonymous variant.
Genome position (GRCh38, 1-based): chr17:61,776,482, G>A on the plus strand (C>T on the coding strand, the complement: BRIP1 is on the minus strand). VCF-style: chr17-61776482-G-A. GRCh37 (hg19) VCF-style: chr17-59853843-G-A.
Identifiers: ClinVar variation 1784474 (VCV001784474.4), dbSNP rs2145030269, ClinGen allele CA501150167.

ClinVar aggregate classification (germline): Benign/Likely benign. Review status: criteria provided, multiple submitters, no conflicts (2 of 4 stars). 2 submissions from 2 submitters: Benign (1); Likely benign (1). Last evaluated 2025-07-02.

Conditions:
Hereditary cancer-predisposing syndrome. Also called: Neoplastic Syndromes, Hereditary; Tumor predisposition; Hereditary Cancer Syndrome; Hereditary neoplastic syndrome. Identifiers: Orphanet 140162, MedGen C0027672, MeSH D009386, MONDO:0015356.
Familial cancer of breast. Also called: BREAST CANCER, FAMILIAL; Hereditary breast cancer; hereditary breast carcinoma. Identifiers: Orphanet 227535, MedGen C0346153, MONDO:0016419, OMIM 114480. Disease mechanism: loss of function.

Submissions (2):

Ambry Genetics
Classification: Likely benign for Hereditary cancer-predisposing syndrome. Last evaluated: 2025-07-02. Review status: criteria provided, single submitter. Criteria: Ambry Variant Classification Scheme 2023. Collection method: clinical testing. Allele origin: germline.

Myriad Genetics, Inc.
Classification: Benign for Familial cancer of breast. Last evaluated: 2024-09-03. Review status: criteria provided, single submitter. Criteria: Myriad Autosomal Dominant, Autosomal Recessive and X-Linked Classification Criteria (2023). Collection method: clinical testing. Allele origin: unknown.
Comment: This variant is considered benign. This variant is a silent/synonymous amino acid change and it is not expected to impact splicing.